The following is an entry in ClinVar:

NM_002004.4(FDPS):c.359T>C (p.Ile120Thr)

Gene: FDPS (farnesyl diphosphate synthase; plus strand). Cytogenetic location: 1q22.
Variant type: single nucleotide variant.
Coding change: c.359T>C on transcript NM_002004.4 (MANE Select); coding-DNA position 359, T replaced by C.
Protein change: p.Ile120Thr; replaces isoleucine 120 with threonine.
Molecular consequence: missense variant. On other transcripts: 5 prime UTR variant (1).
Genome position (GRCh38, 1-based): chr1:155,312,274, T>C. VCF-style: chr1-155312274-T-C. GRCh37 (hg19) VCF-style: chr1-155282065-T-C.
Other names: c.359T>C, p.Ile120Thr (NM_001135821.2); c.161T>C, p.Ile54Thr (NM_001135822.2, NM_001242824.2, NM_001378424.1 and 1 more transcripts); c.-155T>C (NM_001242825.2); short protein forms I120T, I54T.
Identifiers: ClinVar variation 3033559 (VCV003033559.2), dbSNP rs61729685, ClinGen allele CA1144626.

ClinVar aggregate classification (germline): Benign (0 of 4 stars; one submission).

Conditions:
FDPS-related disorder. Also called: FDPS-related condition.

Allele frequency attached by ClinVar (database versions not stated): gnomAD exomes 0.00029; ExAC 0.00083; 1000 Genomes Project 30x 0.00234; 1000 Genomes Project 0.00260; gnomAD 0.00267; ESP Exome Variant Server 0.00292; TOPMed 0.00304.

Submission:

PreventionGenetics, part of Exact Sciences
Classification: Benign for FDPS-related condition. Last evaluated: 2020-06-15. Review status: no assertion criteria provided. Collection method: clinical testing. Allele origin: germline.
Comment: This variant is classified as benign based on ACMG/AMP sequence variant interpretation guidelines (Richards et al. 2015 PMID: 25741868, with internal and published modifications).